The following is an entry in ClinVar:

NM_024426.6(WT1):c.202G>A (p.Gly68Arg)

Genes: WT1 (WT1 transcription factor; minus strand), LOC107982234 (WT1/WT1-AS bi-directional promoter region; plus strand). Cytogenetic location: 11p13.
Variant type: single nucleotide variant.
Coding change: c.202G>A on transcript NM_024426.6 (MANE Select); coding-DNA position 202, G replaced by A.
Protein change: p.Gly68Arg; replaces glycine 68 with arginine.
Molecular consequence: missense variant. On other transcripts: non-coding transcript variant (1).
Genome position (GRCh38, 1-based): chr11:32,435,159, C>T on the plus strand (G>A on the coding strand, the complement: WT1 is on the minus strand). VCF-style: chr11-32435159-C-T. GRCh37 (hg19) VCF-style: chr11-32456705-C-T.
Other names: c.202G>A, p.Gly68Arg (NM_000378.6, NM_024424.5); short protein forms G68R.
Identifiers: ClinVar variation 951676 (VCV000951676.11), dbSNP rs1353446740, ClinGen allele CA379966173.

ClinVar aggregate classification (germline): Uncertain significance. Review status: criteria provided, multiple submitters, no conflicts (2 of 4 stars). 2 submissions from 2 submitters: Uncertain significance (2). Last evaluated 2026-07-04.

Conditions:
Wilms tumor 1 (WT1). Also called: Wilms tumor, somatic. Identifiers: Orphanet 654, MedGen CN033288, MONDO:0008679, OMIM 194070.
11p partial monosomy syndrome (WAGR). Also called: CHROMOSOME 11p13 DELETION SYNDROME; WAGR syndrome; WAGR Complex; WAGR Spectrum Disorder. Identifiers: Orphanet 893, MedGen C0206115, MONDO:0008681, OMIM 194072.
Drash syndrome (DDS). Also called: NEPHROPATHY, WILMS TUMOR, AND GENITAL ANOMALIES; WILMS TUMOR AND PSEUDO- OR TRUE HERMAPHRODITISM. Identifiers: Orphanet 220, MedGen C0950121, MONDO:0008682, OMIM 194080.
Frasier syndrome. Identifiers: Orphanet 347, MedGen C0950122, MeSH D052159, MONDO:0007635, OMIM 136680.
Inborn genetic diseases. Identifiers: MedGen C0950123, MeSH D030342.

Allele frequency attached by ClinVar (database versions not stated): gnomAD 0.00001; gnomAD exomes below 0.00001 and 0.00001.
gnomAD v4.1: 3 of 1,521,682 alleles (0.0002%); highest among the groups gnomAD compares: South Asian, 0.0036%; no homozygotes.

Submissions (2):

Ambry Genetics
Classification: Uncertain significance for Inborn genetic diseases. Last evaluated: 2026-07-04. Review status: criteria provided, single submitter. Criteria: Ambry Variant Classification Scheme 2023. Collection method: clinical testing. Allele origin: germline.
Comment: The p.G63R variant (also known as c.187G>A), located in coding exon 1 of the WT1 gene, results from a G to A substitution at nucleotide position 187. The glycine at codon 63 is replaced by arginine, an amino acid with dissimilar properties. This amino acid position is conserved. In addition, this alteration is predicted to be tolerated by in silico analysis. Based on the available evidence, the clinical significance of this variant remains unclear.

Labcorp Genetics (formerly Invitae), Labcorp
Classification: Uncertain significance for Wilms tumor 1; Drash syndrome; 11p partial monosomy syndrome; Frasier syndrome. Last evaluated: 2022-12-07. Review status: criteria provided, single submitter. Criteria: Invitae Variant Classification Sherloc (09022015). Collection method: clinical testing. Allele origin: germline.
Comment: In summary, the available evidence is currently insufficient to determine the role of this variant in disease. Therefore, it has been classified as a Variant of Uncertain Significance. Algorithms developed to predict the effect of missense changes on protein structure and function are either unavailable or do not agree on the potential impact of this missense change (SIFT: "Deleterious"; PolyPhen-2: "Benign"; Align-GVGD: "Class C0"). ClinVar contains an entry for this variant (Variation ID: 951676). This variant has not been reported in the literature in individuals affected with WT1-related conditions. The frequency data for this variant in the population databases is considered unreliable, as metrics indicate poor data quality at this position in the gnomAD database. This sequence change replaces glycine, which is neutral and non-polar, with arginine, which is basic and polar, at codon 63 of the WT1 protein (p.Gly63Arg).